The following is an entry in ClinVar:

NM_001386393.1(PANK2):c.1083-1G>T

Gene: PANK2 (pantothenate kinase 2; plus strand). Cytogenetic location: 20p13.
Variant type: single nucleotide variant.
Coding change: c.1083-1G>T on transcript NM_001386393.1 (MANE Select); the canonical splice acceptor site of the intron before coding-DNA position 1083, G replaced by T.
Molecular consequence: splice acceptor variant.
Genome position (GRCh38, 1-based): chr20:3,916,926, G>T. VCF-style: chr20-3916926-G-T. GRCh37 (hg19) VCF-style: chr20-3897573-G-T.
Other names: IVS4-1G>T; IVS4AS, G-T, -1; c.540-1G>T (NM_024960.6, NM_001324191.2, NM_153640.4); c.1413-1G>T (NM_153638.4); c.105-1G>T (NM_001324193.2).
Identifiers: ClinVar variation 4559 (VCV000004559.146), dbSNP rs148987163, ClinGen allele CA10575487.

ClinVar aggregate classification (germline): Pathogenic/Likely pathogenic. Review status: criteria provided, multiple submitters, no conflicts (2 of 4 stars). 5 submissions from 5 submitters: Pathogenic (2); Likely pathogenic (1). 2 of the submissions do not count toward it. Last evaluated 2024-03-14.

Conditions:
Inborn genetic diseases. Identifiers: MedGen C0950123, MeSH D030342.
Pigmentary pallidal degeneration (NBIA1). Also called: HARP SYNDROME; Pantothenate Kinase-Associated Neurodegeneration; Neurodegeneration with brain iron accumulation 1; PKAN NEUROAXONAL DYSTROPHY, JUVENILE-ONSET; Neuroaxonal dystrophy, late infantile; Hallervorden-Spatz disease. Identifiers: Orphanet 157850, MedGen C0018523, MONDO:0009319, OMIM 234200.

Allele frequency attached by ClinVar (database versions not stated): gnomAD 0.00001; TOPMed 0.00001; gnomAD exomes 0.00002 and 0.00003; ESP Exome Variant Server 0.00008.

Submissions (5):

Labcorp Genetics (formerly Invitae), Labcorp
Classification: Pathogenic for Pigmentary pallidal degeneration. Last evaluated: 2024-03-14. Review status: criteria provided, single submitter. Criteria: Invitae Variant Classification Sherloc (09022015). Collection method: clinical testing. Allele origin: germline.
Comment: This sequence change affects an acceptor splice site in intron 4 of the PANK2 gene. It is expected to disrupt RNA splicing. Variants that disrupt the donor or acceptor splice site typically lead to a loss of protein function (PMID: 16199547), and loss-of-function variants in PANK2 are known to be pathogenic (PMID: 11479594, 12510040). This variant is present in population databases (rs148987163, gnomAD 0.004%). Disruption of this splice site has been observed in individual(s) with neurodegeneration with brain iron accumulation (PMID: 14638969; Invitae). In at least one individual the data is consistent with being in trans (on the opposite chromosome) from a pathogenic variant. ClinVar contains an entry for this variant (Variation ID: 4559). Algorithms developed to predict the effect of sequence changes on RNA splicing suggest that this variant may disrupt the consensus splice site. For these reasons, this variant has been classified as Pathogenic.

Ambry Genetics
Classification: Likely pathogenic for Inborn genetic diseases. Last evaluated: 2021-12-28. Review status: criteria provided, single submitter. Criteria: Ambry Variant Classification Scheme 2023. Collection method: clinical testing. Allele origin: germline.
Comment: The c.1413-1G>T intronic variant results from a G to T substitution one nucleotide before coding exon 5 of the PANK2 gene. Alterations that disrupt the canonical splice site are expected to cause aberrant splicing, resulting in an abnormal protein or a transcript that is subject to nonsense-mediated mRNA decay. This variant, designated as IVS4-1G>T, was reported in a cohort of individuals with pantothenate kinase-associated neurodegeneration; however, specific information was not provided (Hayflick, 2003). It was also identified in trans with a PANK2 missense variant in an individual with hypoprebetalipoproteinemia, acanthocytosis, retinitis pigmentosa, and pallidal degeneration (HARP) syndrome (Houlden, 2003). In silico splice site analysis predicts that this alteration will weaken the native splice acceptor site. Based on the available evidence, this alteration is classified as likely pathogenic.

Mayo Clinic Laboratories, Mayo Clinic
Classification: Pathogenic. Last evaluated: 2021-07-09. Review status: criteria provided, single submitter. Criteria: ACMG Guidelines, 2015. Collection method: clinical testing. Allele origin: germline.
Comment: PVS1, PS3_moderate, PM2

OMIM
Classification: Pathogenic for NEURODEGENERATION WITH BRAIN IRON ACCUMULATION 1. Last evaluated: 2003-11-25. Review status: no assertion criteria provided. Collection method: literature only. Allele origin: germline. Not counted in ClinVar's aggregate classification.

GeneReviews
No classification provided. Condition: Pigmentary pallidal degeneration. Review status: no classification provided. Collection method: literature only. Allele origin: germline. Not counted in ClinVar's aggregate classification.
Comment: Pathogenic variant resulting in PKAN, originally seen in an individual diagnosed with HARP syndrome [Ching et al 2002]

Literature cited by the submitters: PubMed 16199547 (cited by Labcorp Genetics (formerly Invitae), Labcorp); PubMed 11479594 (cited by Labcorp Genetics (formerly Invitae), Labcorp); PubMed 12510040 (cited by 4 submitters); PubMed 14638969 (cited by 4 submitters); PubMed 28863176 (cited by Mayo Clinic Laboratories, Mayo Clinic); PubMed 31540697 (cited by Mayo Clinic Laboratories, Mayo Clinic); PubMed 32654475 (cited by Mayo Clinic Laboratories, Mayo Clinic); PubMed 12058097 (cited by GeneReviews).